The following is an entry in ClinVar:

ClinVar aggregate classification (germline): Uncertain significance (1 of 4 stars; one submission).

Conditions:
Hereditary cancer-predisposing syndrome. Also called: Hereditary Cancer Syndrome; Hereditary neoplastic syndrome; Neoplastic Syndromes, Hereditary; Tumor predisposition. Identifiers: Orphanet 140162, MedGen C0027672, MeSH D009386, MONDO:0015356.

Submission:

Ambry Genetics
Classification: Uncertain significance for Hereditary cancer-predisposing syndrome. Last evaluated: 2025-06-05. Review status: criteria provided, single submitter. Criteria: Ambry Variant Classification Scheme 2023. Collection method: clinical testing. Allele origin: germline.
Comment: The p.S47L variant (also known as c.140C>T), located in coding exon 2 of the ATM gene, results from a C to T substitution at nucleotide position 140. The serine at codon 47 is replaced by leucine, an amino acid with dissimilar properties. This amino acid position is highly conserved in available vertebrate species. In addition, this alteration is predicted to be tolerated by in silico analysis. Based on the available evidence, the clinical significance of this variant remains unclear.

NM_000051.4(ATM):c.140C>T (p.Ser47Leu)

Gene: ATM (ATM serine/threonine kinase; plus strand). Cytogenetic location: 11q22.3.
Variant type: single nucleotide variant.
Coding change: c.140C>T on transcript NM_000051.4 (MANE Select); coding-DNA position 140, C replaced by T.
Protein change: p.Ser47Leu; replaces serine 47 with leucine.
Molecular consequence: missense variant.
Genome position (GRCh38, 1-based): chr11:108,227,843, C>T. VCF-style: chr11-108227843-C-T. GRCh37 (hg19) VCF-style: chr11-108098570-C-T.
Other names: c.140C>T, p.Ser47Leu (NM_001351834.2, NM_001351835.2, NM_001351836.2); short protein forms S47L.
Identifiers: ClinVar variation 1771991 (VCV001771991.3), dbSNP rs774185390, ClinGen allele CA228368300.